The following is an entry in ClinVar:

ClinVar aggregate classification (germline): Uncertain significance. Review status: criteria provided, single submitter (1 of 4 stars). 2 submissions from 2 submitters: Uncertain significance (1). 1 of the submissions does not count toward it. Last evaluated 2023-09-08.

Conditions:
Parkinson disease 22, autosomal dominant (PARK22). Identifiers: MedGen C4225238, MONDO:0014742, OMIM 616710.

Allele frequency attached by ClinVar (database versions not stated): TOPMed 0.00002.
gnomAD v4.1: 32 of 1,613,872 alleles (0.002%); highest among the groups gnomAD compares: South Asian, 0.018%; no homozygotes.

Submissions (2):

Labcorp Genetics (formerly Invitae), Labcorp
Classification: Uncertain significance. Last evaluated: 2023-09-08. Review status: criteria provided, single submitter. Criteria: Invitae Variant Classification Sherloc (09022015). Collection method: clinical testing. Allele origin: germline.
Comment: This sequence change replaces arginine, which is basic and polar, with glutamine, which is neutral and polar, at codon 145 of the CHCHD2 protein (p.Arg145Gln). In summary, the available evidence is currently insufficient to determine the role of this variant in disease. Therefore, it has been classified as a Variant of Uncertain Significance. Experimental studies have shown that this missense change affects CHCHD2 function (PMID: 28432706, 28589937, 30496485, 35173147). An algorithm developed to predict the effect of missense changes on protein structure and function (PolyPhen-2) suggests that this variant is likely to be disruptive. ClinVar contains an entry for this variant (Variation ID: 218883). This missense change has been observed in individual(s) with Parkinson disease (PMID: 25662902, 27269965). This variant is present in population databases (rs752169833, gnomAD 0.03%).

OMIM
Classification: Pathogenic for PARKINSON DISEASE 22, AUTOSOMAL DOMINANT. Last evaluated: 2015-07-01. Review status: no assertion criteria provided. Collection method: literature only. Allele origin: germline. Not counted in ClinVar's aggregate classification.

Literature cited by the submitters: PubMed 28432706 (cited by Labcorp Genetics (formerly Invitae), Labcorp); PubMed 28589937 (cited by Labcorp Genetics (formerly Invitae), Labcorp); PubMed 30496485 (cited by Labcorp Genetics (formerly Invitae), Labcorp); PubMed 35173147 (cited by Labcorp Genetics (formerly Invitae), Labcorp); PubMed 25662902 (cited by Labcorp Genetics (formerly Invitae), Labcorp and OMIM); PubMed 27269965 (cited by Labcorp Genetics (formerly Invitae), Labcorp); PubMed 26067113 (cited by OMIM).

NM_016139.4(CHCHD2):c.434G>A (p.Arg145Gln)

Gene: CHCHD2 (coiled-coil-helix-coiled-coil-helix domain containing 2; minus strand). Cytogenetic location: 7p11.2.
Variant type: single nucleotide variant.
Coding change: c.434G>A on transcript NM_016139.4 (MANE Select); coding-DNA position 434, G replaced by A.
Protein change: p.Arg145Gln; replaces arginine 145 with glutamine.
Molecular consequence: missense variant.
Genome position (GRCh38, 1-based): chr7:56,102,878, C>T on the plus strand (G>A on the coding strand, the complement: CHCHD2 is on the minus strand). VCF-style: chr7-56102878-C-T. GRCh37 (hg19) VCF-style: chr7-56170571-C-T.
Other names: c.434G>A, p.Arg145Gln (NM_001320327.2); short protein forms R145Q.
Identifiers: ClinVar variation 218883 (VCV000218883.4), dbSNP rs752169833, ClinGen allele CA214827.